The following is an entry in ClinVar:

NM_017534.6(MYH2):c.4537+2T>G

Genes: MYH2 (myosin heavy chain 2; minus strand), MYHAS (myosin heavy chain gene cluster antisense RNA; plus strand), LOC126862500 (BRD4-independent group 4 enhancer GRCh37_chr17:10427829-10429028; plus strand). Cytogenetic location: 17p13.1.
Variant type: single nucleotide variant.
Coding change: c.4537+2T>G on transcript NM_017534.6 (MANE Select); the canonical splice donor site of the intron after coding-DNA position 4537, T replaced by G.
Molecular consequence: splice donor variant.
Genome position (GRCh38, 1-based): chr17:10,525,449, A>C on the plus strand (T>G on the coding strand, the complement: MYH2 is on the minus strand). VCF-style: chr17-10525449-A-C. GRCh37 (hg19) VCF-style: chr17-10428766-A-C.
Other names: c.4537+2T>G (NM_001100112.2).
Identifiers: ClinVar variation 1478292 (VCV001478292.6), dbSNP rs2142293525, ClinGen allele CA398125462.

ClinVar aggregate classification (germline): Likely pathogenic (1 of 4 stars; one submission).

Conditions:
Myopathy, proximal, and ophthalmoplegia (CMYO6). Also called: INCLUSION BODY MYOPATHY 3, AUTOSOMAL DOMINANT; CONGENITAL MYOPATHY 6 WITH OPHTHALMOPLEGIA; MYOPATHY WITH CONGENITAL JOINT CONTRACTURES, OPHTHALMOPLEGIA, AND RIMMED VACUOLES. Identifiers: Orphanet 363677, Orphanet 79091, MedGen C1854106, MONDO:0011577, OMIM 605637.

Submission:

Labcorp Genetics (formerly Invitae), Labcorp
Classification: Likely pathogenic for Myopathy, proximal, and ophthalmoplegia. Last evaluated: 2024-02-24. Review status: criteria provided, single submitter. Criteria: Invitae Variant Classification Sherloc (09022015). Collection method: clinical testing. Allele origin: germline.
Comment: This sequence change affects a donor splice site in intron 32 of the MYH2 gene. It is expected to disrupt RNA splicing. Variants that disrupt the donor or acceptor splice site typically lead to a loss of protein function (PMID: 16199547), and loss-of-function variants in MYH2 are known to be pathogenic (PMID: 20418530, 23388406, 24193343). This variant is not present in population databases (gnomAD no frequency). This variant has not been reported in the literature in individuals affected with MYH2-related conditions. ClinVar contains an entry for this variant (Variation ID: 1478292). Algorithms developed to predict the effect of sequence changes on RNA splicing suggest that this variant may disrupt the consensus splice site. In summary, the currently available evidence indicates that the variant is pathogenic, but additional data are needed to prove that conclusively. Therefore, this variant has been classified as Likely Pathogenic.

Literature cited by the submitters: PubMed 16199547; PubMed 20418530; PubMed 23388406; PubMed 24193343.